The following is an entry in ClinVar:

NM_000059.4(BRCA2):c.85C>A (p.Leu29Ile)

Gene: BRCA2 (BRCA2 DNA repair associated; plus strand). Cytogenetic location: 13q13.1.
Variant type: single nucleotide variant.
Coding change: c.85C>A on transcript NM_000059.4 (MANE Select); coding-DNA position 85, C replaced by A.
Protein change: p.Leu29Ile; replaces leucine 29 with isoleucine.
Molecular consequence: missense variant. On other transcripts: non-coding transcript variant (1), 5 prime UTR variant (1).
Genome position (GRCh38, 1-based): chr13:32,319,094, C>A. VCF-style: chr13-32319094-C-A. GRCh37 (hg19) VCF-style: chr13-32893231-C-A.
Other names: c.85C>A, p.Leu29Ile (NM_001406719.1, NM_001406720.1, NM_001406721.1); c.-285C>A (NM_001406722.1); short protein forms L29I.
Identifiers: ClinVar variation 2755027 (VCV002755027.3), dbSNP rs1424422846, ClinGen allele CA387754080.
Genomic context (GRCh38, chr13:32,319,094, plus strand): 5'-CTGTCACTGGTTAAAACTAAGGTGGGATTTTTTTTTTAAATAGATTTAGGACCAATAAGT[C>A]TTAATTGGTTTGAAGAACTTTCTTCAGAAGCTCCACCCTATAATTCTGAACCTGCAGAAG-3'
Protein context (NP_000050.3, residues 19-39): CNKADLGPIS[Leu29Ile]NWFEELSSEA

ClinVar aggregate classification (germline): Uncertain significance (1 of 4 stars; one submission).

Conditions:
Hereditary breast ovarian cancer syndrome. Also called: Hereditary breast and ovarian cancer; Hereditary breast and ovarian cancer syndrome; Breast and ovarian cancer; BRCA1- and BRCA2-Associated Hereditary Breast and Ovarian Cancer; Hereditary breast and ovarian cancer syndrome (HBOC); Hereditary breast and/or ovarian cancer syndrome. Identifiers: Orphanet 145, MedGen C0677776, MeSH D061325, MONDO:0003582. Disease mechanism: loss of function.

Submission:

Labcorp Genetics (formerly Invitae), Labcorp
Classification: Uncertain significance for Hereditary breast ovarian cancer syndrome. Last evaluated: 2023-08-25. Review status: criteria provided, single submitter. Criteria: Invitae Variant Classification Sherloc (09022015). Collection method: clinical testing. Allele origin: germline.
Comment: Advanced modeling of protein sequence and biophysical properties (such as structural, functional, and spatial information, amino acid conservation, physicochemical variation, residue mobility, and thermodynamic stability) performed at Invitae indicates that this missense variant is not expected to disrupt BRCA2 protein function. This sequence change replaces leucine, which is neutral and non-polar, with isoleucine, which is neutral and non-polar, at codon 29 of the BRCA2 protein (p.Leu29Ile). This variant is not present in population databases (gnomAD no frequency). This variant has not been reported in the literature in individuals affected with BRCA2-related conditions. In summary, the available evidence is currently insufficient to determine the role of this variant in disease. Therefore, it has been classified as a Variant of Uncertain Significance.